The following is an entry in ClinVar:

NM_006206.6(PDGFRA):c.548C>T (p.Thr183Ile)

Gene: PDGFRA (platelet derived growth factor receptor alpha; plus strand). Cytogenetic location: 4q12.
Variant type: single nucleotide variant.
Coding change: c.548C>T on transcript NM_006206.6 (MANE Select); coding-DNA position 548, C replaced by T.
Protein change: p.Thr183Ile; replaces threonine 183 with isoleucine.
Molecular consequence: missense variant.
Genome position (GRCh38, 1-based): chr4:54,263,847, C>T. VCF-style: chr4-54263847-C-T. GRCh37 (hg19) VCF-style: chr4-55130014-C-T.
Other names: c.548C>T, p.Thr183Ile (NM_001347827.2, NM_001347829.2); c.623C>T, p.Thr208Ile (NM_001347828.2); c.587C>T, p.Thr196Ile (NM_001347830.2); short protein forms T208I, T196I, T183I.
Identifiers: ClinVar variation 3653135 (VCV003653135.2).
Genomic context (GRCh38, chr4:54,263,847, plus strand): 5'-ACAGTGAGGGGGTGGTACCTGCCTCCTACGACAGCAGACAGGGCTTTAATGGGACCTTCA[C>T]TGTAGGGCCCTATATCTGTGAGGCCACCGTCAAAGGAAAGAAGTTCCAGACCATCCCATT-3'
Protein context (NP_006197.1, residues 173-193): DSRQGFNGTF[Thr183Ile]VGPYICEATV

ClinVar aggregate classification (germline): Uncertain significance (1 of 4 stars; one submission).

Conditions:
Gastrointestinal stromal tumor. Also called: Gastrointestinal stromal tumor, somatic; Gastrointestinal stroma tumor. Identifiers: Orphanet 44890, MedGen C0238198, MeSH D046152, MONDO:0011719, OMIM 606764, HP:0100723.

Submission:

Labcorp Genetics (formerly Invitae), Labcorp
Classification: Uncertain significance for Gastrointestinal stromal tumor. Last evaluated: 2024-08-06. Review status: criteria provided, single submitter. Criteria: Invitae Variant Classification Sherloc (09022015). Collection method: clinical testing. Allele origin: germline.
Comment: This sequence change replaces threonine, which is neutral and polar, with isoleucine, which is neutral and non-polar, at codon 183 of the PDGFRA protein (p.Thr183Ile). This variant is not present in population databases (gnomAD no frequency). This variant has not been reported in the literature in individuals affected with PDGFRA-related conditions. Advanced modeling of protein sequence and biophysical properties (such as structural, functional, and spatial information, amino acid conservation, physicochemical variation, residue mobility, and thermodynamic stability) performed at Invitae indicates that this missense variant is not expected to disrupt PDGFRA protein function with a negative predictive value of 80%. In summary, the available evidence is currently insufficient to determine the role of this variant in disease. Therefore, it has been classified as a Variant of Uncertain Significance.